The following is an entry in ClinVar:

ClinVar aggregate classification (germline): Uncertain significance (1 of 4 stars; one submission).

Conditions:
Neurofibromatosis, type 2 (SWNV). Also called: NF2-Related Schwannomatosis; BILATERAL ACOUSTIC NEUROFIBROMATOSIS; SCHWANNOMATOSIS, VESTIBULAR. Identifiers: Orphanet 637, MedGen C0027832, MONDO:0007039, OMIM 101000. Disease mechanism: loss of function.

gnomAD v4.1: 1 of 1,613,078 alleles (0.000062%); highest among the groups gnomAD compares: Non-Finnish European, 0.000085%; no homozygotes.

Submission:

All of Us Research Program, National Institutes of Health
Classification: Uncertain significance for Neurofibromatosis, type 2. Last evaluated: 2024-04-16. Review status: criteria provided, single submitter. Criteria: ACMG Guidelines, 2015. Collection method: clinical testing. Allele origin: germline. Inheritance: Autosomal dominant inheritance. Observed: 1 variant allele, 1 heterozygote.
Comment: This missense variant replaces arginine with serine at codon 291 of the NF2 protein. Computational prediction suggests that this variant may have deleterious impact on protein structure and function (internally defined REVEL score threshold >= 0.7, PMID: 27666373). To our knowledge, functional studies have not been reported for this variant. This variant has not been reported in individuals affected with NF2-related disorders in the literature. This variant has not been identified in the general population by the Genome Aggregation Database (gnomAD). The available evidence is insufficient to determine the role of this variant in disease conclusively. Therefore, this variant is classified as a Variant of Uncertain Significance.

This study involves interpretation of variants in research participants for the purpose of population health screening. Participant phenotype was not available at the time of variant classification. Additional details can be found in publication PMID: 35346344, PMCID: PMC8962531

NM_000268.4(NF2):c.871C>A (p.Arg291Ser)

Gene: NF2 (NF2, moesin-ezrin-radixin like (MERLIN) tumor suppressor; plus strand). Cytogenetic location: 22q12.2.
Variant type: single nucleotide variant.
Coding change: c.871C>A on transcript NM_000268.4 (MANE Select); coding-DNA position 871, C replaced by A.
Protein change: p.Arg291Ser; replaces arginine 291 with serine.
Molecular consequence: missense variant. On other transcripts: non-coding transcript variant (1), intron variant (1).
Genome position (GRCh38, 1-based): chr22:29,665,050, C>A. VCF-style: chr22-29665050-C-A. GRCh37 (hg19) VCF-style: chr22-30061039-C-A.
Other names: c.757C>A, p.Arg253Ser (NM_001407053.1, NM_001407056.1); c.748C>A, p.Arg250Ser (NM_001407054.1, NM_181829.3, NM_001407058.1); c.745C>A, p.Arg249Ser (NM_001407055.1, NM_181828.3); c.736C>A, p.Arg246Ser (NM_001407057.1, NM_001407059.1); c.871C>A, p.Arg291Ser (NM_181825.3, NM_181832.3, NM_001407060.1 and 2 more transcripts); c.622C>A, p.Arg208Ser (NM_181830.3, NM_181831.3, NM_001407063.1 and 1 more transcripts); c.447+22765C>A (NM_181833.3); c.613C>A, p.Arg205Ser (NM_001407062.1); and 2 more; short protein forms R113S, R205S, R208S, R214S, R246S, R249S, R250S, R253S.
Identifiers: ClinVar variation 3387402 (VCV003387402.1).